The following is an entry in ClinVar:

NM_001953.5(TYMP):c.586G>A (p.Gly196Arg)

Gene: TYMP (thymidine phosphorylase; minus strand). Cytogenetic location: 22q13.33.
Variant type: single nucleotide variant.
Coding change: c.586G>A on transcript NM_001953.5 (MANE Select); coding-DNA position 586, G replaced by A.
Protein change: p.Gly196Arg; replaces glycine 196 with arginine.
Molecular consequence: missense variant.
Genome position (GRCh38, 1-based): chr22:50,527,648, C>T on the plus strand (G>A on the coding strand, the complement: TYMP is on the minus strand). VCF-style: chr22-50527648-C-T. GRCh37 (hg19) VCF-style: chr22-50966077-C-T.
Other names: c.586G>A, p.Gly196Arg (LRG_727t2, LRG_727t1, NM_001113755.3 and 3 more transcripts); short protein forms G196R.
Identifiers: ClinVar variation 215343 (VCV000215343.7), dbSNP rs367723039, ClinGen allele CA322490.

ClinVar aggregate classification (germline): Uncertain significance. Review status: criteria provided, multiple submitters, no conflicts (2 of 4 stars). 3 submissions from 3 submitters: Uncertain significance (2). 1 of the submissions does not count toward it. Last evaluated 2026-01-06.

Conditions:
Mitochondrial neurogastrointestinal encephalomyopathy. Also called: Mitochondrial neurogastrointestinal encephalopathy syndrome; MNGIE syndrome; Thymidine phosphorylase deficiency. Identifiers: Orphanet 298, MedGen C0872218, MONDO:0017575.

Allele frequency attached by ClinVar (database versions not stated): ESP Exome Variant Server 0.00008; gnomAD 0.00003; TOPMed 0.00005.
gnomAD v4.1: 77 of 1,613,826 alleles (0.0048%); highest among the groups gnomAD compares: Admixed American, 0.018%; no homozygotes.

Submissions (3):

GeneDx
Classification: Uncertain significance. Last evaluated: 2026-01-06. Review status: criteria provided, single submitter. Criteria: GeneDx Variant Classification Process June 2021. Collection method: clinical testing. Allele origin: germline. Affected: yes.
Comment: In silico analysis suggests that this missense variant does not alter protein structure/function; Has not been previously published as pathogenic or benign to our knowledge

Labcorp Genetics (formerly Invitae), Labcorp
Classification: Uncertain significance. Last evaluated: 2024-04-22. Review status: criteria provided, single submitter. Criteria: Invitae Variant Classification Sherloc (09022015). Collection method: clinical testing. Allele origin: germline.
Comment: This sequence change replaces glycine, which is neutral and non-polar, with arginine, which is basic and polar, at codon 196 of the TYMP protein (p.Gly196Arg). This variant is present in population databases (rs367723039, gnomAD 0.03%). This variant has not been reported in the literature in individuals affected with TYMP-related conditions. ClinVar contains an entry for this variant (Variation ID: 215343). Advanced modeling of protein sequence and biophysical properties (such as structural, functional, and spatial information, amino acid conservation, physicochemical variation, residue mobility, and thermodynamic stability) performed at Invitae indicates that this missense variant is not expected to disrupt TYMP protein function with a negative predictive value of 95%. In summary, the available evidence is currently insufficient to determine the role of this variant in disease. Therefore, it has been classified as a Variant of Uncertain Significance.

Natera, Inc.
Classification: Uncertain significance for Mitochondrial neurogastrointestinal encephalomyopathy. Last evaluated: 2019-11-11. Review status: no assertion criteria provided. Collection method: clinical testing. Allele origin: germline. Not counted in ClinVar's aggregate classification.